The following is an entry in ClinVar:

ClinVar aggregate classification (germline): Uncertain significance (1 of 4 stars; one submission).

Allele frequency attached by ClinVar (database versions not stated): gnomAD 0.00002; gnomAD exomes 0.00002; ExAC 0.00004.
gnomAD v4.1: 32 of 1,606,270 alleles (0.002%); highest among the groups gnomAD compares: East Asian, 0.0067%; no homozygotes.

Submission:

Labcorp Genetics (formerly Invitae), Labcorp
Classification: Uncertain significance. Last evaluated: 2024-05-01. Review status: criteria provided, single submitter. Criteria: Invitae Variant Classification Sherloc (09022015). Collection method: clinical testing. Allele origin: germline.
Comment: This sequence change replaces arginine, which is basic and polar, with tryptophan, which is neutral and slightly polar, at codon 1801 of the DSCAML1 protein (p.Arg1801Trp). This variant is present in population databases (rs768585537, gnomAD 0.005%). This variant has not been reported in the literature in individuals affected with DSCAML1-related conditions. ClinVar contains an entry for this variant (Variation ID: 1979552). An algorithm developed to predict the effect of missense changes on protein structure and function (PolyPhen-2) suggests that this variant is likely to be disruptive. In summary, the available evidence is currently insufficient to determine the role of this variant in disease. Therefore, it has been classified as a Variant of Uncertain Significance.

NM_020693.4(DSCAML1):c.5221C>T (p.Arg1741Trp)

Gene: DSCAML1 (DS cell adhesion molecule like 1; minus strand). Cytogenetic location: 11q23.3.
Variant type: single nucleotide variant.
Coding change: c.5221C>T on transcript NM_020693.4 (MANE Select); coding-DNA position 5221, C replaced by T.
Protein change: p.Arg1741Trp; replaces arginine 1741 with tryptophan.
Molecular consequence: missense variant.
Genome position (GRCh38, 1-based): chr11:117,431,687, G>A on the plus strand (C>T on the coding strand, the complement: DSCAML1 is on the minus strand). VCF-style: chr11-117431687-G-A. GRCh37 (hg19) VCF-style: chr11-117302403-G-A.
Other names: short protein forms R1741W.
Identifiers: ClinVar variation 1979552 (VCV001979552.4), dbSNP rs768585537, ClinGen allele CA6296125.